The following is an entry in ClinVar:

ClinVar aggregate classification (germline): Uncertain significance (1 of 4 stars; one submission).

Conditions:
Autosomal recessive severe congenital neutropenia due to CSF3R deficiency. Also called: Neutropenia, severe congenital, 7, autosomal recessive. Identifiers: Orphanet 420702, MedGen C4310764, MONDO:0014865, OMIM 617014.

Allele frequency attached by ClinVar (database versions not stated): ExAC 0.00002.

Submission:

Labcorp Genetics (formerly Invitae), Labcorp
Classification: Uncertain significance for Autosomal recessive severe congenital neutropenia due to CSF3R deficiency. Last evaluated: 2022-12-20. Review status: criteria provided, single submitter. Criteria: Invitae Variant Classification Sherloc (09022015). Collection method: clinical testing. Allele origin: germline.
Comment: This variant has not been reported in the literature in individuals affected with CSF3R-related conditions. This sequence change replaces arginine, which is basic and polar, with proline, which is neutral and non-polar, at codon 332 of the CSF3R protein (p.Arg332Pro). This variant is present in population databases (rs758186406, gnomAD 0.01%). Algorithms developed to predict the effect of missense changes on protein structure and function (SIFT, PolyPhen-2, Align-GVGD) all suggest that this variant is likely to be tolerated. In summary, the available evidence is currently insufficient to determine the role of this variant in disease. Therefore, it has been classified as a Variant of Uncertain Significance.

NM_000760.4(CSF3R):c.995G>C (p.Arg332Pro)

Gene: CSF3R (colony stimulating factor 3 receptor; minus strand). Cytogenetic location: 1p34.3.
Variant type: single nucleotide variant.
Coding change: c.995G>C on transcript NM_000760.4 (MANE Select); coding-DNA position 995, G replaced by C.
Protein change: p.Arg332Pro; replaces arginine 332 with proline.
Molecular consequence: missense variant.
Genome position (GRCh38, 1-based): chr1:36,472,240, C>G on the plus strand (G>C on the coding strand, the complement: CSF3R is on the minus strand). VCF-style: chr1-36472240-C-G. GRCh37 (hg19) VCF-style: chr1-36937841-C-G.
Other names: c.995G>C, p.Arg332Pro (NM_156039.3, NM_172313.3); short protein forms R332P.
Identifiers: ClinVar variation 2164755 (VCV002164755.4), dbSNP rs758186406, ClinGen allele CA769325.